The following is an entry in ClinVar:

NM_000875.5(IGF1R):c.4054G>T (p.Gly1352Cys)

Gene: IGF1R (insulin like growth factor 1 receptor; plus strand). Cytogenetic location: 15q26.3.
Variant type: single nucleotide variant.
Coding change: c.4054G>T on transcript NM_000875.5 (MANE Select); coding-DNA position 4054, G replaced by T.
Protein change: p.Gly1352Cys; replaces glycine 1352 with cysteine.
Molecular consequence: missense variant.
Genome position (GRCh38, 1-based): chr15:98,957,392, G>T. VCF-style: chr15-98957392-G-T. GRCh37 (hg19) VCF-style: chr15-99500621-G-T.
Other names: c.4051G>T, p.Gly1351Cys (NM_001291858.2); short protein forms G1351C, G1352C.
Identifiers: ClinVar variation 3602548 (VCV003602548.1).

ClinVar aggregate classification (germline): Uncertain significance (1 of 4 stars; one submission).

Submission:

GeneDx
Classification: Uncertain significance. Last evaluated: 2024-08-02. Review status: criteria provided, single submitter. Criteria: GeneDx Variant Classification Process June 2021. Collection method: clinical testing. Allele origin: germline. Affected: yes.
Comment: Not observed at significant frequency in large population cohorts (gnomAD); In silico analysis supports that this missense variant has a deleterious effect on protein structure/function; Has not been previously published as pathogenic or benign to our knowledge